The following is an entry in ClinVar:

ClinVar aggregate classification (germline): Uncertain significance. Review status: criteria provided, multiple submitters, no conflicts (2 of 4 stars). 2 submissions from 2 submitters: Uncertain significance (2). Last evaluated 2024-10-28.

Conditions:
Retinal dystrophy. Also called: Inherited retinal dystrophy. Identifiers: Orphanet 71862, MedGen C0854723, MeSH D058499, MONDO:0019118, HP:0000556.

Allele frequency attached by ClinVar (database versions not stated): gnomAD 0.00001; TOPMed 0.00001.
gnomAD v4.1: 23 of 1,613,794 alleles (0.0014%); highest among the groups gnomAD compares: East Asian, 0.0045%; no homozygotes.

Submissions (2):

Labcorp Genetics (formerly Invitae), Labcorp
Classification: Uncertain significance. Last evaluated: 2024-10-28. Review status: criteria provided, single submitter. Criteria: Invitae Variant Classification Sherloc (09022015). Collection method: clinical testing. Allele origin: germline.
Comment: This sequence change replaces glutamic acid, which is acidic and polar, with lysine, which is basic and polar, at codon 198 of the DHX38 protein (p.Glu198Lys). This variant is present in population databases (rs774114256, gnomAD 0.006%). This variant has not been reported in the literature in individuals affected with DHX38-related conditions. ClinVar contains an entry for this variant (Variation ID: 1408312). An algorithm developed to predict the effect of missense changes on protein structure and function (PolyPhen-2) suggests that this variant¬†is likely to be tolerated. In summary, the available evidence is currently insufficient to determine the role of this variant in disease. Therefore, it has been classified as a Variant of Uncertain Significance.

Dept Of Ophthalmology, Nagoya University
Classification: Uncertain significance for Retinal dystrophy. Last evaluated: 2023-10-01. Review status: criteria provided, single submitter. Criteria: Submitter's publication. Collection method: research. Allele origin: germline. Affected: yes.

NM_014003.4(DHX38):c.592G>A (p.Glu198Lys)

Gene: DHX38 (DEAH-box helicase 38; plus strand). Cytogenetic location: 16q22.2.
Variant type: single nucleotide variant.
Coding change: c.592G>A on transcript NM_014003.4 (MANE Select); coding-DNA position 592, G replaced by A.
Protein change: p.Glu198Lys; replaces glutamic acid 198 with lysine.
Molecular consequence: missense variant.
Genome position (GRCh38, 1-based): chr16:72,097,757, G>A. VCF-style: chr16-72097757-G-A. GRCh37 (hg19) VCF-style: chr16-72131656-G-A.
Other names: short protein forms E198K.
Identifiers: ClinVar variation 1408312 (VCV001408312.7), dbSNP rs774114256, ClinGen allele CA8160019.